The following is an entry in ClinVar:

NM_001252024.2(TRPM1):c.1364_1381dup (p.Gly455_Lys460dup)

Gene: TRPM1 (transient receptor potential cation channel subfamily M member 1; minus strand). Cytogenetic location: 15q13.3.
Variant type: Duplication.
Coding change: c.1364_1381dup on transcript NM_001252024.2 (MANE Select); coding-DNA positions 1364 to 1381, 18 bases duplicated (GCAAGAAGAAAGGGAAAG).
Protein change: p.Gly455_Lys460dup.
Molecular consequence: inframe insertion.
Genome position (GRCh38, 1-based): chr15:31,050,465-31,050,482, CTTTCCCTTTCTTCTTGC duplicated on the plus strand (GCAAGAAGAAAGGGAAAG on the coding strand, the reverse complement: TRPM1 is on the minus strand); duplicating any 18 consecutive bases within chr15:31,050,465-31,050,492 gives the same sequence; the c. name uses the placement nearest the transcript's 3' end. VCF-style (leftmost placement, unchanged base first): chr15-31050464-A-ACTTTCCCTTTCTTCTTGC. GRCh37 (hg19) VCF-style: chr15-31342667-A-ACTTTCCCTTTCTTCTTGC.
Other names: c.1415_1432dup, p.Gly472_Lys477dup (NM_001252020.2); c.1298_1315dup, p.Gly433_Lys438dup (NM_002420.6).
Identifiers: ClinVar variation 1494275 (VCV001494275.8), dbSNP rs2140940973, ClinGen allele CA2573150627.

ClinVar aggregate classification (germline): Uncertain significance (1 of 4 stars; one submission).

Submission:

Labcorp Genetics (formerly Invitae), Labcorp
Classification: Uncertain significance. Last evaluated: 2024-12-16. Review status: criteria provided, single submitter. Criteria: Invitae Variant Classification Sherloc (09022015). Collection method: clinical testing. Allele origin: germline.
Comment: This variant, c.1298_1315dup, results in the insertion of 6 amino acid(s) of the TRPM1 protein (p.Gly433_Lys438dup), but otherwise preserves the integrity of the reading frame. This variant is not present in population databases (gnomAD no frequency). This variant has not been reported in the literature in individuals affected with TRPM1-related conditions. ClinVar contains an entry for this variant (Variation ID: 1494275). Experimental studies and prediction algorithms are not available or were not evaluated, and the functional significance of this variant is currently unknown. In summary, the available evidence is currently insufficient to determine the role of this variant in disease. Therefore, it has been classified as a Variant of Uncertain Significance.